The following is an entry in ClinVar:

ClinVar aggregate classification (germline): Pathogenic (1 of 4 stars; one submission).

Conditions:
Cardiovascular phenotype. Identifiers: MedGen CN230736.
Hereditary cancer-predisposing syndrome. Also called: Neoplastic Syndromes, Hereditary; Tumor predisposition; Hereditary Cancer Syndrome; Hereditary neoplastic syndrome. Identifiers: Orphanet 140162, MedGen C0027672, MeSH D009386, MONDO:0015356.

Submission:

Ambry Genetics
Classification: Pathogenic for Cardiovascular phenotype; Hereditary cancer-predisposing syndrome. Last evaluated: 2025-09-24. Review status: criteria provided, single submitter. Criteria: Ambry Variant Classification Scheme 2023. Collection method: clinical testing. Allele origin: germline.
Comment: The c.2118_2125delGAACATCT pathogenic mutation, located in coding exon 18 of the LZTR1 gene, results from a deletion of 8 nucleotides at nucleotide positions 2118 to 2125, causing a translational frameshift with a predicted alternate stop codon (p.N707Hfs*72). This variant is considered to be rare based on population cohorts in the Genome Aggregation Database (gnomAD). This alteration is expected to result in loss of function by premature protein truncation or nonsense-mediated mRNA decay. Loss-of-function variants in LZTR1 are related to an increased risk for schwannomas and autosomal recessive Noonan syndrome; however, such associations with autosomal dominant Noonan syndrome have not been observed (Piotrowski A et al. Nat Genet. 2014 Feb;46:182-7; Yamamoto GL et al. J Med Genet. 2015 Jun;52:413-21; Johnston JJ et al. Genet Med. 2018 10;20:1175-1185). Based on the supporting evidence, this variant is pathogenic for an increased risk of LZTR1-related schwannomatosis (SWN) and would be expected to cause autosomal recessive Noonan syndrome when present along with a second pathogenic or likely pathogenic variant on the other allele; however, the association of this alteration with autosomal dominant Noonan syndrome is unlikely.

NM_006767.4(LZTR1):c.2118_2125del (p.Asn707fs)

Gene: LZTR1 (leucine zipper like post translational regulator 1; plus strand). Cytogenetic location: 22q11.21.
Variant type: Deletion.
Coding change: c.2118_2125del on transcript NM_006767.4 (MANE Select); coding-DNA positions 2118 to 2125, 8 bases deleted (GAACATCT; older notation c.2118_2125delGAACATCT).
Protein change: p.Asn707fs; shifts the reading frame from asparagine 707.
Molecular consequence: frameshift variant.
Genome position (GRCh38, 1-based): chr22:20,996,011-20,996,018, GAACATCT deleted; deleting any 8 consecutive bases within chr22:20,996,010-20,996,018 gives the same sequence; the c. name uses the placement nearest the transcript's 3' end. VCF-style (leftmost placement, unchanged base first): chr22-20996009-GTGAACATC-G. GRCh37 (hg19) VCF-style: chr22-21350298-GTGAACATC-G.
Other names: short protein forms N707fs.
Identifiers: ClinVar variation 4615588 (VCV004615588.1).